The following is an entry in ClinVar:

ClinVar aggregate classification (germline): Uncertain significance (1 of 4 stars; one submission).

Conditions:
Acrocallosal syndrome (ACLS). Also called: Schinzel syndrome 1; Absence of corpus callosum with unusual facial appearance, mental deficiency, duplication of the halluces and polydactyly; HALLUX DUPLICATION, POSTAXIAL POLYDACTYLY, AND ABSENCE OF CORPUS CALLOSUM. Identifiers: Orphanet 36, MedGen C0796147, MONDO:0008708, OMIM 200990.

Allele frequency attached by ClinVar (database versions not stated): gnomAD exomes below 0.00001; ExAC 0.00001; gnomAD 0.00001; TOPMed 0.00001.

Submission:

Labcorp Genetics (formerly Invitae), Labcorp
Classification: Uncertain significance for Acrocallosal syndrome. Last evaluated: 2025-01-13. Review status: criteria provided, single submitter. Criteria: Invitae Variant Classification Sherloc (09022015). Collection method: clinical testing. Allele origin: germline.
Comment: This sequence change replaces glutamic acid, which is acidic and polar, with lysine, which is basic and polar, at codon 844 of the KIF7 protein (p.Glu844Lys). The frequency data for this variant in the population databases is considered unreliable, as metrics indicate poor data quality at this position in the gnomAD database. This variant has not been reported in the literature in individuals affected with KIF7-related conditions. ClinVar contains an entry for this variant (Variation ID: 1395934). Invitae Evidence Modeling of protein sequence and biophysical properties (such as structural, functional, and spatial information, amino acid conservation, physicochemical variation, residue mobility, and thermodynamic stability) indicates that this missense variant is not expected to disrupt KIF7 protein function with a negative predictive value of 80%. In summary, the available evidence is currently insufficient to determine the role of this variant in disease. Therefore, it has been classified as a Variant of Uncertain Significance.

NM_198525.3(KIF7):c.2530G>A (p.Glu844Lys)

Gene: KIF7 (kinesin family member 7; minus strand). Cytogenetic location: 15q26.1.
Variant type: single nucleotide variant.
Coding change: c.2530G>A on transcript NM_198525.3 (MANE Select); coding-DNA position 2530, G replaced by A.
Protein change: p.Glu844Lys; replaces glutamic acid 844 with lysine.
Molecular consequence: missense variant.
Genome position (GRCh38, 1-based): chr15:89,633,748, C>T on the plus strand (G>A on the coding strand, the complement: KIF7 is on the minus strand). VCF-style: chr15-89633748-C-T. GRCh37 (hg19) VCF-style: chr15-90176979-C-T.
Other names: short protein forms E844K.
Identifiers: ClinVar variation 1395934 (VCV001395934.8), dbSNP rs760348444, ClinGen allele CA7728113.
Genomic context (GRCh38, chr15:89,633,748, plus strand): 5'-TGACGCGGTGCTGCCGCTTGCTCATTTCTGCCTCCAGGCGCCGCTTCTGCTCCGTCTCCT[C>T]GCGAAGCCGCCTCTGCAGCTGTCCCTGCTGCTGCCGCATGAGCTGCACGTTCCGCTCGAG-3'
Protein context (NP_940927.2, residues 834-854): QQGQLQRRLR[Glu844Lys]ETEQKRRLEA